The following is an entry in ClinVar:

NM_001128840.3(CACNA1D):c.4111-8C>G

Gene: CACNA1D (calcium voltage-gated channel subunit alpha1 D; plus strand). Cytogenetic location: 3p21.1.
Variant type: single nucleotide variant.
Coding change: c.4111-8C>G on transcript NM_001128840.3 (MANE Select); 8 bases into the intron before coding-DNA position 4111, C replaced by G.
Molecular consequence: intron variant.
Genome position (GRCh38, 1-based): chr3:53,774,579, C>G. VCF-style: chr3-53774579-C-G. GRCh37 (hg19) VCF-style: chr3-53808606-C-G.
Other names: c.4066-8C>G (NM_001128839.3); c.4171-8C>G (NM_000720.4).
Identifiers: ClinVar variation 1502132 (VCV001502132.30), dbSNP rs751553150, ClinGen allele CA2454813.

ClinVar aggregate classification (germline): Conflicting classifications of pathogenicity. Review status: criteria provided, conflicting classifications (1 of 4 stars). 2 submissions from 2 submitters: Uncertain significance (1); Likely benign (1). Last evaluated 2026-01-04.

Allele frequency attached by ClinVar (database versions not stated): gnomAD exomes 0.00003 and 0.00004; ExAC 0.00006.
gnomAD v4.1: 63 of 1,534,596 alleles (0.0041%); highest among the groups gnomAD compares: Non-Finnish European, 0.0056%; no homozygotes.

Submissions (2):

Labcorp Genetics (formerly Invitae), Labcorp
Classification: Likely benign. Last evaluated: 2026-01-04. Review status: criteria provided, single submitter. Criteria: Invitae Variant Classification Sherloc (09022015). Collection method: clinical testing. Allele origin: germline.

CeGaT Center for Human Genetics Tuebingen
Classification: Uncertain significance. Last evaluated: 2022-05-01. Review status: criteria provided, single submitter. Criteria: CeGaT Center For Human Genetics Tuebingen Variant Classification Criteria Version 2. Collection method: clinical testing. Allele origin: germline. Affected: yes. Observed: 1 variant allele.
Comment: CACNA1D: PM2, BP4